The following is an entry in ClinVar:

NM_001972.4(ELANE):c.427C>T (p.Arg143Cys)

Gene: ELANE (elastase, neutrophil expressed; plus strand). Cytogenetic location: 19p13.3.
Variant type: single nucleotide variant.
Coding change: c.427C>T on transcript NM_001972.4 (MANE Select); coding-DNA position 427, C replaced by T.
Protein change: p.Arg143Cys; replaces arginine 143 with cysteine.
Molecular consequence: missense variant.
Genome position (GRCh38, 1-based): chr19:855,624, C>T. VCF-style: chr19-855624-C-T. GRCh37 (hg19) VCF-style: chr19-855624-C-T.
Other names: c.427C>T (NM_001972.3, LRG_57t1); short protein forms R143C.
Identifiers: ClinVar variation 242291 (VCV000242291.12), dbSNP rs199558534, ClinGen allele CA9026055.

ClinVar aggregate classification (germline): Conflicting classifications of pathogenicity. Review status: criteria provided, conflicting classifications (1 of 4 stars). 4 submissions from 4 submitters: Likely pathogenic (1); Uncertain significance (3). Last evaluated 2025-08-05.

Conditions:
Autoinflammatory syndrome. Identifiers: Orphanet 93665, MedGen C3890737, MONDO:0019751.
Cyclical neutropenia. Also called: Cyclic Neutropenia; Cyclic hematopoiesis. Identifiers: Orphanet 2686, MedGen C0221023, MONDO:0008090, OMIM 162800, HP:0040289. Disease mechanism: loss of function.
Neutropenia, severe congenital, 1, autosomal dominant. Identifiers: MedGen C1859966, MONDO:0042490, OMIM 202700.
ELANE-related disorder. Also called: ELANE-related condition.

Allele frequency attached by ClinVar (database versions not stated): ExAC 0.00001; gnomAD 0.00001; gnomAD exomes 0.00001 and 0.00002; TOPMed 0.00003.
gnomAD v4.1: 19 of 1,603,854 alleles (0.0012%); highest among the groups gnomAD compares: Middle Eastern, 0.033%; no homozygotes.

Submissions (4):

PreventionGenetics, part of Exact Sciences
Classification: Uncertain significance for ELANE-related condition. Last evaluated: 2025-08-05. Review status: criteria provided, single submitter. Criteria: ACMG Guidelines, 2015. Collection method: clinical testing. Allele origin: germline.
Comment: The ELANE c.427C>T variant is predicted to result in the amino acid substitution p.Arg143Cys. To our knowledge, this variant has not been reported in the literature in individuals affected with ELANE-related disorders. This variant is reported in 0.011% of alleles in individuals of East Asian descent in gnomAD. An alternate missense change at the same amino acid position, described as p.Arg143His, has been reported in a patient with cyclic neutropenia (Germeshausen et al. 2013. PubMed ID: 23463630). At this time, the clinical significance of this variant is uncertain due to the absence of conclusive functional and genetic evidence.

Labcorp Genetics (formerly Invitae), Labcorp
Classification: Uncertain significance for Neutropenia, severe congenital, 1, autosomal dominant; Cyclical neutropenia. Last evaluated: 2023-09-09. Review status: criteria provided, single submitter. Criteria: Invitae Variant Classification Sherloc (09022015). Collection method: clinical testing. Allele origin: germline.
Comment: ClinVar contains an entry for this variant (Variation ID: 242291). This sequence change replaces arginine, which is basic and polar, with cysteine, which is neutral and slightly polar, at codon 143 of the ELANE protein (p.Arg143Cys). This variant is present in population databases (rs199558534, gnomAD 0.01%). This missense change has been observed in individual(s) with clinical features of ELANE-related neutropenia (PMID: 35047849). Advanced modeling of protein sequence and biophysical properties (such as structural, functional, and spatial information, amino acid conservation, physicochemical variation, residue mobility, and thermodynamic stability) has been performed at Invitae for this missense variant, however the output from this modeling did not meet the statistical confidence thresholds required to predict the impact of this variant on ELANE protein function. In summary, the available evidence is currently insufficient to determine the role of this variant in disease. Therefore, it has been classified as a Variant of Uncertain Significance.

Genome Diagnostics Laboratory, The Hospital for Sick Children
Classification: Uncertain significance for Autoinflammatory syndrome. Last evaluated: 2016-12-12. Review status: criteria provided, single submitter. Criteria: ACMG Guidelines, 2015. Collection method: clinical testing. Allele origin: germline. Affected: yes.

GeneDx
Classification: Likely pathogenic. Last evaluated: 2014-09-23. Review status: criteria provided, single submitter. Criteria: GeneDx Variant Classification (06012015). Collection method: clinical testing. Allele origin: germline. Affected: yes.
Comment: To our knowledge, this variant has neither been published as a mutation, nor reported as a benign polymorphism to our knowledge. R143C represents a non-conservative amino acid substitution, as a large, positively-charged Arginine residue is replaced with a smaller, neutral Cysteine residue, which could alter the normal disulfide bonds in the protein. The position in the ELANE protein where this substitution occurs is not highly conserved among species; however, the R143C substitution was not observed in approximately 6,500 individuals of European and African American ancestry in the NHLBI Exome Sequencing Project, indicating it is not a common benign variant in these populations. Therefore, R143C is a strong candidate for a disease-causing mutation; however, the possibility that it is a benign variant cannot be excluded.

Literature cited by the submitters: PubMed 35047849 (cited by Labcorp Genetics (formerly Invitae), Labcorp).